The following is an entry in ClinVar:

NM_001012301.4(ARSI):c.1672C>T (p.Arg558Cys)

Gene: ARSI (arylsulfatase family member I; minus strand). Cytogenetic location: 5q32.
Variant type: single nucleotide variant.
Coding change: c.1672C>T on transcript NM_001012301.4 (MANE Select); coding-DNA position 1672, C replaced by T.
Protein change: p.Arg558Cys; replaces arginine 558 with cysteine.
Molecular consequence: missense variant.
Genome position (GRCh38, 1-based): chr5:150,297,252, G>A on the plus strand (C>T on the coding strand, the complement: ARSI is on the minus strand). VCF-style: chr5-150297252-G-A. GRCh37 (hg19) VCF-style: chr5-149676815-G-A.
Other names: short protein forms R558C.
Identifiers: ClinVar variation 1006276 (VCV001006276.8), dbSNP rs747622334, ClinGen allele CA3510025.
Genomic context (GRCh38, chr5:150,297,252, plus strand): 5'-ACAGTTTTCTCCCTCCCCACCATCAGATCCGTTGGGACATTAGCCTGGTGTTGAGTTTAC[G>A]GAAAAAGGATCGAAGCTTGCAAATCTTGCATTTTTTCTTGCGACGACCCCGGGAGAAGCT-3'
Protein context (NP_001012301.1, residues 548-568): CKICKLRSFF[Arg558Cys]KLNTRLMSQR

ClinVar aggregate classification (germline): Uncertain significance (1 of 4 stars; one submission).

Conditions:
Spastic paraplegia. Identifiers: MedGen C0037772, HP:0001258.

Allele frequency attached by ClinVar (database versions not stated): TOPMed below 0.00001; gnomAD 0.00001; gnomAD exomes 0.00001; ExAC 0.00002.
gnomAD v4.1: 17 of 1,590,146 alleles (0.0011%); highest among the groups gnomAD compares: East Asian, 0.0022%; no homozygotes.

Submission:

Labcorp Genetics (formerly Invitae), Labcorp
Classification: Uncertain significance for Spastic paraplegia. Last evaluated: 2020-02-19. Review status: criteria provided, single submitter. Criteria: Invitae Variant Classification Sherloc (09022015). Collection method: clinical testing. Allele origin: germline.
Comment: In summary, the available evidence is currently insufficient to determine the role of this variant in disease. Therefore, it has been classified as a Variant of Uncertain Significance. Algorithms developed to predict the effect of missense changes on protein structure and function are either unavailable or do not agree on the potential impact of this missense change (SIFT: "Deleterious"; PolyPhen-2: "Possibly Damaging"; Align-GVGD: "Class C0"). This variant has not been reported in the literature in individuals with ARSI-related conditions. This variant is present in population databases (rs747622334, ExAC 0.003%). This sequence change replaces arginine with cysteine at codon 558 of the ARSI protein (p.Arg558Cys). The arginine residue is moderately conserved and there is a large physicochemical difference between arginine and cysteine.